The following is an entry in ClinVar:

NM_004656.4(BAP1):c.378C>T (p.Ser126=)

Gene: BAP1 (BRCA1 associated deubiquitinase 1; minus strand). Cytogenetic location: 3p21.1.
Variant type: single nucleotide variant.
Coding change: c.378C>T on transcript NM_004656.4 (MANE Select); coding-DNA position 378, C replaced by T.
Protein change: p.Ser126=; no amino-acid change (serine 126 retained).
Molecular consequence: synonymous variant.
Genome position (GRCh38, 1-based): chr3:52,407,458, G>A on the plus strand (C>T on the coding strand, the complement: BAP1 is on the minus strand). VCF-style: chr3-52407458-G-A. GRCh37 (hg19) VCF-style: chr3-52441474-G-A.
Other names: c.378C>T (NM_004656.2).
Identifiers: ClinVar variation 629910 (VCV000629910.11), dbSNP rs746830670, ClinGen allele CA2437093.

ClinVar aggregate classification (germline): Benign/Likely benign. Review status: criteria provided, multiple submitters, no conflicts (2 of 4 stars). 4 submissions from 4 submitters: Benign (1); Likely benign (3). Last evaluated 2025-12-13.

Conditions:
BAP1-related tumor predisposition syndrome (TPDS1). Also called: Tumor susceptibility linked to germline BAP1 mutations; BAP1 tumor predisposition syndrome; TUMOR PREDISPOSITION SYNDROME 1; COMMON Syndrome. Identifiers: Orphanet 289539, MedGen C3280492, MONDO:0013692, OMIM 614327.
Hereditary cancer-predisposing syndrome. Also called: Neoplastic Syndromes, Hereditary; Tumor predisposition; Hereditary neoplastic syndrome; Hereditary Cancer Syndrome. Identifiers: Orphanet 140162, MedGen C0027672, MeSH D009386, MONDO:0015356.

Allele frequency attached by ClinVar (database versions not stated): gnomAD exomes below 0.00001 and 0.00001; ExAC 0.00001.
gnomAD v4.1: 2 of 1,614,180 alleles (0.00012%); highest among the groups gnomAD compares: East Asian, 0.0045%; no homozygotes.

Submissions (4):

Labcorp Genetics (formerly Invitae), Labcorp
Classification: Likely benign for BAP1-related tumor predisposition syndrome. Last evaluated: 2025-12-13. Review status: criteria provided, single submitter. Criteria: Invitae Variant Classification Sherloc (09022015). Collection method: clinical testing. Allele origin: germline.

Myriad Genetics, Inc.
Classification: Benign for BAP1-related tumor predisposition syndrome. Last evaluated: 2024-07-12. Review status: criteria provided, single submitter. Criteria: Myriad Autosomal Dominant, Autosomal Recessive and X-Linked Classification Criteria (2023). Collection method: clinical testing. Allele origin: unknown.
Comment: This variant is considered benign. This variant is a silent/synonymous amino acid change and it is not expected to impact splicing.

Ambry Genetics
Classification: Likely benign for Hereditary cancer-predisposing syndrome. Last evaluated: 2023-10-22. Review status: criteria provided, single submitter. Criteria: Ambry Variant Classification Scheme 2023. Collection method: clinical testing. Allele origin: germline.

Color Diagnostics, LLC DBA Color Health
Classification: Likely benign for Hereditary cancer-predisposing syndrome. Last evaluated: 2017-11-20. Review status: criteria provided, single submitter. Criteria: ACMG Guidelines, 2015. Collection method: clinical testing. Allele origin: germline.